The following is an entry in ClinVar:

NM_000059.4(BRCA2):c.9256+2001G>A

Gene: BRCA2 (BRCA2 DNA repair associated; plus strand). Cytogenetic location: 13q13.1.
Variant type: single nucleotide variant.
Coding change: c.9256+2001G>A on transcript NM_000059.4 (MANE Select); 2001 bases into the intron after coding-DNA position 9256, G replaced by A.
Molecular consequence: intron variant.
Genome position (GRCh38, 1-based): chr13:32,382,146, G>A. VCF-style: chr13-32382146-G-A. GRCh37 (hg19) VCF-style: chr13-32956283-G-A.
Other names: IVS 24+2001G>A.
Identifiers: ClinVar variation 209856 (VCV000209856.1), dbSNP rs9534344, ClinGen allele CA276824.

ClinVar aggregate classification (germline): Benign (3 of 4 stars; one submission).

Conditions:
Breast-ovarian cancer, familial, susceptibility to, 2 (BROVCA2). Also called: BRCA2 Hereditary Breast and Ovarian Cancer. Identifiers: Orphanet 145, MedGen C2675520, MONDO:0012933, OMIM 612555. Disease mechanism: loss of function.

Allele frequency attached by ClinVar (database versions not stated): 1000 Genomes Project 0.19688; 1000 Genomes Project 30x 0.19847; TOPMed 0.24093; gnomAD 0.24640 and 0.25191.
gnomAD v4.1: 37,429 of 151,974 alleles (25%); highest among the groups gnomAD compares: Non-Finnish European, 27%; 4,837 homozygotes.

Submission:

Evidence-based Network for the Interpretation of Germline Mutant Alleles (ENIGMA)
Classification: Benign for Breast-ovarian cancer, familial 2. Last evaluated: 2015-01-12. Review status: reviewed by expert panel. Criteria: ENIGMA BRCA1/2 Classification Criteria (2015). Collection method: curation. Allele origin: germline.
Comment: Class 1 not pathogenic based on frequency >1% in an outbred sampleset. Frequency 0.06294 (Asian), 0.2866 (African), 0.2836 (European), derived from 1000 genomes (2012-04-30).